The following is an entry in ClinVar:

ClinVar aggregate classification (germline): Pathogenic (1 of 4 stars; one submission).

Conditions:
Pyridoxine-dependent epilepsy (EPEO4). Also called: Pyridoxine-Dependent Seizures; Pyridoxine-Dependent Epilepsy - ALDH7A1; PYRIDOXINE DEPENDENCY WITH SEIZURES; EPILEPSY, EARLY-ONSET, 4, VITAMIN B6-DEPENDENT. Identifiers: Orphanet 3006, MedGen C1849508, MONDO:0009945, OMIM 266100. Disease mechanism: loss of function.

Submission:

Labcorp Genetics (formerly Invitae), Labcorp
Classification: Pathogenic for Pyridoxine-dependent epilepsy. Last evaluated: 2016-01-06. Review status: criteria provided, single submitter. Criteria: Invitae Variant Classification Sherloc (09022015). Collection method: clinical testing. Allele origin: germline.
Comment: This sequence change replaces glycine with valine at codon 398 of the ALDH7A1 protein (p.Gly398Val). The glycine residue is highly conserved and there is a moderate physicochemical difference between glycine and valine. This variant is not present in population databases (ExAC no frequency) and has not been reported in the literature. Algorithms developed to predict the effect of missense changes on protein structure and function (SIFT, PolyPhen-2, Align-GVGD) all suggest that this variant is likely to be disruptive. A different missense substitution at this codon (p.Gly398Arg) is reported to be deleterious (PMID: 22529283). This indicates that the glycine residue is important for ALDH7A1 protein function. For these reasons, this variant has been classified as Pathogenic.

NM_001182.5(ALDH7A1):c.1193G>T (p.Gly398Val)

Gene: ALDH7A1 (aldehyde dehydrogenase 7 family member A1; minus strand). Cytogenetic location: 5q23.2.
Variant type: single nucleotide variant.
Coding change: c.1193G>T on transcript NM_001182.5 (MANE Select); coding-DNA position 1193, G replaced by T.
Protein change: p.Gly398Val; replaces glycine 398 with valine.
Molecular consequence: missense variant. On other transcripts: intron variant (1).
Genome position (GRCh38, 1-based): chr5:126,554,294, C>A on the plus strand (G>T on the coding strand, the complement: ALDH7A1 is on the minus strand). VCF-style: chr5-126554294-C-A. GRCh37 (hg19) VCF-style: chr5-125889986-C-A.
Other names: c.1109G>T, p.Gly370Val (NM_001201377.2); c.1009-2157G>T (NM_001202404.2); short protein forms G398V, G370V.
Identifiers: ClinVar variation 220511 (VCV000220511.1), dbSNP rs864622557, ClinGen allele CA349197.
Genomic context (GRCh38, chr5:126,554,294, plus strand): 5'-CAGGGAAAAGAAGGTTAAAAAGCTGTCACAATTGATCTCAGAGCATCCCTTACCTTGCCC[C>A]CATAGACCACTGTGCCACCTTCTTTCTTTGCTTCTTCCACTGCTCCAAGAAACATGCTCA-3'
Protein context (NP_001173.2, residues 388-408): AKKEGGTVVY[Gly398Val]GKVMDRPGNY